The following is an entry in ClinVar:

NM_001605.3(AARS1):c.2722-2A>C

Gene: AARS1 (alanyl-tRNA synthetase 1; minus strand). Cytogenetic location: 16q22.1.
Variant type: single nucleotide variant.
Coding change: c.2722-2A>C on transcript NM_001605.3 (MANE Select); the canonical splice acceptor site of the intron before coding-DNA position 2722, A replaced by C.
Molecular consequence: splice acceptor variant.
Genome position (GRCh38, 1-based): chr16:70,252,908, T>G on the plus strand (A>C on the coding strand, the complement: AARS1 is on the minus strand). VCF-style: chr16-70252908-T-G. GRCh37 (hg19) VCF-style: chr16-70286811-T-G.
Identifiers: ClinVar variation 2164918 (VCV002164918.4), dbSNP rs1273121575, ClinGen allele CA396554578.
Genomic context (GRCh38, chr16:70,252,908, plus strand): 5'-ATCAAGCCTGACACCTGCTGCACCCACTCGCTGGCTTTTAAGCCCCGATTGGCTGCATTC[T>G]AGAAGACAGGAAGGGAAGGGGGAGTCAGCACAGAAGATGGGATTGAGGGAGGAATGCAGG-3'

ClinVar aggregate classification (germline): Uncertain significance (1 of 4 stars; one submission).

Conditions:
Charcot-Marie-Tooth disease type 2. Also called: Charcot-Marie-Tooth type 2. Identifiers: Orphanet 64746, MedGen C0270914, MONDO:0018993.

Allele frequency attached by ClinVar (database versions not stated): gnomAD exomes below 0.00001; gnomAD 0.00001.
gnomAD v4.1: 3 of 1,614,040 alleles (0.00019%); highest among the groups gnomAD compares: Non-Finnish European, 0.00017%; no homozygotes.

Submission:

Labcorp Genetics (formerly Invitae), Labcorp
Classification: Uncertain significance for Charcot-Marie-Tooth disease type 2. Last evaluated: 2021-12-18. Review status: criteria provided, single submitter. Criteria: Invitae Variant Classification Sherloc (09022015). Collection method: clinical testing. Allele origin: germline.
Comment: In summary, the available evidence is currently insufficient to determine the role of this variant in disease. Therefore, it has been classified as a Variant of Uncertain Significance. Variants that disrupt the consensus splice site are a relatively common cause of aberrant splicing (PMID: 17576681, 9536098). Algorithms developed to predict the effect of sequence changes on RNA splicing suggest that this variant may disrupt the consensus splice site. This variant has not been reported in the literature in individuals affected with AARS-related conditions. This variant is present in population databases (no rsID available, gnomAD 0.007%). This sequence change falls in intron 20 of the AARS gene. It does not directly change the encoded amino acid sequence of the AARS protein. It affects a nucleotide within the consensus splice site.

Literature cited by the submitters: PubMed 17576681; PubMed 9536098.